The following is an entry in ClinVar:

NM_000215.4(JAK3):c.2047+5G>C

Gene: JAK3 (Janus kinase 3; minus strand). Cytogenetic location: 19p13.11.
Variant type: single nucleotide variant.
Coding change: c.2047+5G>C on transcript NM_000215.4 (MANE Select); 5 bases into the intron after coding-DNA position 2047, G replaced by C.
Molecular consequence: intron variant.
Genome position (GRCh38, 1-based): chr19:17,835,078, C>G on the plus strand (G>C on the coding strand, the complement: JAK3 is on the minus strand). VCF-style: chr19-17835078-C-G. GRCh37 (hg19) VCF-style: chr19-17945887-C-G.
Identifiers: ClinVar variation 2803857 (VCV002803857.4), dbSNP rs769459507, ClinGen allele CA306130067.
Genomic context (GRCh38, chr19:17,835,078, plus strand): 5'-GTGGGATCAGGGATCCACTTCCTTGCCCTGCTCAGCCCCTCCCTCCTCCACCTCCAGGAA[C>G]TTACTCTCCAGGCTTAACACAGCGGGGCTGACCCCAGGGTCACTCAGCTTGATGAAGGGC-3'

ClinVar aggregate classification (germline): Conflicting classifications of pathogenicity. Review status: criteria provided, conflicting classifications (1 of 4 stars). 2 submissions from 2 submitters: Likely pathogenic (1); Uncertain significance (1). Last evaluated 2025-07-29.

Conditions:
T-B+ severe combined immunodeficiency due to JAK3 deficiency. Also called: SCID, T CELL-NEGATIVE, B CELL-POSITIVE, NK CELL-NEGATIVE; SCID, autosomal recessive, T-negative/B-positive type. Identifiers: Orphanet 35078, MedGen C1833275, MONDO:0010938, OMIM 600802.

Allele frequency attached by ClinVar (database versions not stated): gnomAD exomes below 0.00001; TOPMed below 0.00001.
gnomAD v4.1: 2 of 1,614,192 alleles (0.00012%); highest among the groups gnomAD compares: Non-Finnish European, 0.00017%; no homozygotes.

Submissions (2):

Women's Health and Genetics/Laboratory Corporation of America, LabCorp
Classification: Uncertain significance. Last evaluated: 2025-07-29. Review status: criteria provided, single submitter. Criteria: LabCorp Variant Classification Summary - May 2015. Collection method: clinical testing. Allele origin: germline.
Comment: Variant summary: JAK3 c.2047+5G>C alters a conserved nucleotide located close to a canonical splice site and therefore could affect mRNA splicing, leading to a significantly altered protein sequence. Several computational tools predict a significant impact on normal splicing: Three predict the variant abolishes a 5' splicing donor site. One predicts the variant weakens a 5' donor site. However, these predictions have yet to be confirmed by functional studies. The variant was absent in 251182 control chromosomes. c.2047+5G>C has been observed in individuals affected with Severe Combined Immunodeficiency (internal data). These data indicate that the variant may be associated with disease. To our knowledge, no experimental evidence demonstrating an impact on protein function has been reported. ClinVar contains an entry for this variant (Variation ID: 2803857). Based on the evidence outlined above, the variant was classified as VUS-possibly pathogenic.

Labcorp Genetics (formerly Invitae), Labcorp
Classification: Likely pathogenic for T-B+ severe combined immunodeficiency due to JAK3 deficiency. Last evaluated: 2024-12-05. Review status: criteria provided, single submitter. Criteria: Invitae Variant Classification Sherloc (09022015). Collection method: clinical testing. Allele origin: germline.
Comment: This sequence change falls in intron 15 of the JAK3 gene. It does not directly change the encoded amino acid sequence of the JAK3 protein. It affects a nucleotide within the consensus splice site. This variant is not present in population databases (gnomAD no frequency). This variant has been observed in individual(s) with JAK3-related conditions (internal data). In at least one individual the data is consistent with being in trans (on the opposite chromosome) from a pathogenic variant. ClinVar contains an entry for this variant (Variation ID: 2803857). Variants that disrupt the consensus splice site are a relatively common cause of aberrant splicing (PMID: 17576681, 9536098). Algorithms developed to predict the effect of sequence changes on RNA splicing suggest that this variant may disrupt the consensus splice site. In summary, the currently available evidence indicates that the variant is pathogenic, but additional data are needed to prove that conclusively. Therefore, this variant has been classified as Likely Pathogenic.

Literature cited by the submitters: PubMed 17576681 (cited by Labcorp Genetics (formerly Invitae), Labcorp); PubMed 9536098 (cited by Labcorp Genetics (formerly Invitae), Labcorp).